The following is an entry in ClinVar:

NM_000135.4(FANCA):c.3082C>G (p.Leu1028Val)

Gene: FANCA (FA complementation group A; minus strand). Cytogenetic location: 16q24.3.
Variant type: single nucleotide variant.
Coding change: c.3082C>G on transcript NM_000135.4 (MANE Select); coding-DNA position 3082, C replaced by G.
Protein change: p.Leu1028Val; replaces leucine 1028 with valine.
Molecular consequence: missense variant.
Genome position (GRCh38, 1-based): chr16:89,749,887, G>C on the plus strand (C>G on the coding strand, the complement: FANCA is on the minus strand). VCF-style: chr16-89749887-G-C. GRCh37 (hg19) VCF-style: chr16-89816295-G-C.
Other names: c.3082C>G, p.Leu1028Val (NM_001286167.3); short protein forms L1028V.
Identifiers: ClinVar variation 4022145 (VCV004022145.1).
Genomic context (GRCh38, chr16:89,749,887, plus strand): 5'-GGAAGTGCTCCTGGGAAGGGGTGTGGCCGAGAGGCACTATGAGGTCTTGCTGCAGCTCCA[G>C]GTCAGCTACCATCTCCTGAAAAAGAGCAGTATGCTGGCACAGGAAGGCCTCGGGGCTCAC-3'
Protein context (NP_000126.2, residues 1018-1038): ISRLQEMVAD[Leu1028Val]ELQQDLIVPL

ClinVar aggregate classification (germline): Uncertain significance (1 of 4 stars; one submission).

Conditions:
Inborn genetic diseases. Identifiers: MedGen C0950123, MeSH D030342.

gnomAD v4.1: 3 of 1,614,116 alleles (0.00019%); highest among the groups gnomAD compares: Non-Finnish European, 0.00025%; no homozygotes.

Submission:

Ambry Genetics
Classification: Uncertain significance for Inborn genetic diseases. Last evaluated: 2025-04-03. Review status: criteria provided, single submitter. Criteria: Ambry Variant Classification Scheme 2023. Collection method: clinical testing. Allele origin: germline.
Comment: The p.L1028V variant (also known as c.3082C>G), located in coding exon 32 of the FANCA gene, results from a C to G substitution at nucleotide position 3082. The leucine at codon 1028 is replaced by valine, an amino acid with highly similar properties. This amino acid position is conserved. In addition, the in silico prediction for this alteration is inconclusive. Based on the available evidence, the clinical significance of this variant remains unclear.